The following is an entry in ClinVar:

ClinVar aggregate classification (germline): Uncertain significance (1 of 4 stars; one submission).

Submission:

GeneDx
Classification: Uncertain significance. Last evaluated: 2024-07-23. Review status: criteria provided, single submitter. Criteria: GeneDx Variant Classification Process June 2021. Collection method: clinical testing. Allele origin: germline. Affected: yes.
Comment: Not observed at significant frequency in large population cohorts (gnomAD); In silico analysis supports that this missense variant has a deleterious effect on protein structure/function; Has not been previously published as pathogenic or benign to our knowledge

NM_005902.4(SMAD3):c.953C>T (p.Pro318Leu)

Gene: SMAD3 (SMAD family member 3; plus strand). Cytogenetic location: 15q22.33.
Variant type: single nucleotide variant.
Coding change: c.953C>T on transcript NM_005902.4 (MANE Select); coding-DNA position 953, C replaced by T.
Protein change: p.Pro318Leu; replaces proline 318 with leucine.
Molecular consequence: missense variant. On other transcripts: intron variant (1).
Genome position (GRCh38, 1-based): chr15:67,184,808, C>T. VCF-style: chr15-67184808-C-T. GRCh37 (hg19) VCF-style: chr15-67477146-C-T.
Other names: c.638C>T, p.Pro213Leu (NM_001145102.2, NM_001407016.1); c.821C>T, p.Pro274Leu (NM_001145103.2, NM_001407012.1); c.368C>T, p.Pro123Leu (NM_001145104.2, NM_001407017.1); c.953C>T, p.Pro318Leu (NM_001407011.1); c.806C>T, p.Pro269Leu (NM_001407014.1); c.506C>T, p.Pro169Leu (NM_001407015.1); c.872-2557C>T (NM_001407013.1); short protein forms P123L, P169L, P213L, P269L, P274L, P318L.
Identifiers: ClinVar variation 3600970 (VCV003600970.1).